The following is an entry in ClinVar:

NM_000274.4(OAT):c.1113A>T (p.Val371=)

Gene: OAT (ornithine aminotransferase; minus strand). Cytogenetic location: 10q26.13.
Variant type: single nucleotide variant.
Coding change: c.1113A>T on transcript NM_000274.4 (MANE Select); coding-DNA position 1113, A replaced by T.
Protein change: p.Val371=; no amino-acid change (valine 371 retained).
Molecular consequence: synonymous variant.
Genome position (GRCh38, 1-based): chr10:124,400,886, T>A on the plus strand (A>T on the coding strand, the complement: OAT is on the minus strand). VCF-style: chr10-124400886-T-A. GRCh37 (hg19) VCF-style: chr10-126089455-T-A.
Other names: c.699A>T, p.Val233= (NM_001171814.2); c.1113A>T, p.Val371= (NM_001322965.2, NM_001322966.2, NM_001322967.2 and 3 more transcripts); c.792A>T, p.Val264= (NM_001322971.2); c.513A>T, p.Val171= (NM_001322974.2).
Identifiers: ClinVar variation 3641686 (VCV003641686.3).
Genomic context (GRCh38, chr10:124,400,886, plus strand): 5'-TTTTATCTCCATACCTTTGGTTTCTTTAATGACAATAGCGTTTAATAATCCTTTTCCTCT[T>A]ACGGCAGTTACAACATCAGAAGGTAGCTTCATGAGTTCATTTCTCAAGATAATGCCCAAT-3'
Protein context (NP_000265.1, residues 361-381): MKLPSDVVTA[Val371=]RGKGLLNAIV

ClinVar aggregate classification (germline): Likely benign. Review status: criteria provided, multiple submitters, no conflicts (2 of 4 stars). 2 submissions from 2 submitters: Likely benign (2). Last evaluated 2026-09-25.

Conditions:
Ornithine aminotransferase deficiency (GACR). Also called: OKT DEFICIENCY; Ornithine ketoacid aminotransferase deficiency; Gyrate atrophy; Gyrate atrophy of choroid and retina; Girate atrophy of the retina; HYPERORNITHINEMIA WITH GYRATE ATROPHY OF CHOROID AND RETINA. Identifiers: Orphanet 414, MedGen C0018425, MONDO:0009796, OMIM 258870.
OAT-related disorder. Also called: OAT-related condition.

Submissions (2):

PreventionGenetics, part of Exact Sciences
Classification: Likely benign for OAT-related condition. Last evaluated: 2026-09-25. Review status: criteria provided, single submitter. Criteria: ACMG Guidelines, 2015. Collection method: clinical testing. Allele origin: germline.
Comment: This variant is classified as likely benign based on ACMG/AMP sequence variant interpretation guidelines (Richards et al. 2015 PMID: 25741868, with internal and published modifications).

Labcorp Genetics (formerly Invitae), Labcorp
Classification: Likely benign for Ornithine aminotransferase deficiency. Last evaluated: 2024-02-17. Review status: criteria provided, single submitter. Criteria: Invitae Variant Classification Sherloc (09022015). Collection method: clinical testing. Allele origin: germline.